The following is an entry in ClinVar:

NM_002317.7(LOX):c.496A>G (p.Met166Val)

Genes: LOX (lysyl oxidase; minus strand), SRFBP1 (serum response factor binding protein 1; plus strand). Cytogenetic location: 5q23.1.
Variant type: single nucleotide variant.
Coding change: c.496A>G on transcript NM_002317.7 (MANE Select); coding-DNA position 496, A replaced by G.
Protein change: p.Met166Val; replaces methionine 166 with valine.
Molecular consequence: missense variant.
Genome position (GRCh38, 1-based): chr5:122,077,490, T>C on the plus strand (A>G on the coding strand, the complement: LOX is on the minus strand). VCF-style: chr5-122077490-T-C. GRCh37 (hg19) VCF-style: chr5-121413185-T-C.
Other names: short protein forms M166V.
Identifiers: ClinVar variation 2451961 (VCV002451961.3), dbSNP rs2532916633, ClinGen allele CA360875922.
Genomic context (GRCh38, chr5:122,077,490, plus strand): 5'-AGTTGTAATAAGGGTTGTCGTCAGAGTACTTGTAGGGGTTGTAAGGGTCGTCGCCCACCA[T>C]GCCGTCCACGCGGCTGGGCGGCCGCAGGTTACTGAGCGCAGGAACTTCTCCCGGCGCTGT-3'
Protein context (NP_002308.2, residues 156-176): NLRPPSRVDG[Met166Val]VGDDPYNPYK

ClinVar aggregate classification (germline): Uncertain significance (1 of 4 stars; one submission).

Conditions:
Cardiovascular phenotype. Identifiers: MedGen CN230736.

Submission:

Ambry Genetics
Classification: Uncertain significance for Cardiovascular phenotype. Last evaluated: 2025-05-03. Review status: criteria provided, single submitter. Criteria: Ambry Variant Classification Scheme 2023. Collection method: clinical testing. Allele origin: germline.
Comment: The p.M166V variant (also known as c.496A>G), located in coding exon 1 of the LOX gene, results from an A to G substitution at nucleotide position 496. The methionine at codon 166 is replaced by valine, an amino acid with highly similar properties. This amino acid position is conserved. In addition, this alteration is predicted to be tolerated by in silico analysis. Since supporting evidence is limited at this time, the clinical significance of this alteration remains unclear.